The following is an entry in ClinVar:

NM_177438.3(DICER1):c.129G>T (p.Thr43=)

Gene: DICER1 (dicer 1, ribonuclease III; minus strand). Cytogenetic location: 14q32.13.
Variant type: single nucleotide variant.
Coding change: c.129G>T on transcript NM_177438.3 (MANE Select); coding-DNA position 129, G replaced by T.
Protein change: p.Thr43=; no amino-acid change (threonine 43 retained).
Molecular consequence: synonymous variant.
Genome position (GRCh38, 1-based): chr14:95,133,330, C>A on the plus strand (G>T on the coding strand, the complement: DICER1 is on the minus strand). VCF-style: chr14-95133330-C-A. GRCh37 (hg19) VCF-style: chr14-95599667-C-A.
Other names: c.129G>T, p.Thr43= (NM_001195573.1, NM_001271282.3, NM_001291628.2 and 1 more transcripts).
Identifiers: ClinVar variation 417123 (VCV000417123.21), dbSNP rs748819990, ClinGen allele CA16614308.

ClinVar aggregate classification (germline): Benign/Likely benign. Review status: criteria provided, multiple submitters, no conflicts (2 of 4 stars). 5 submissions from 5 submitters: Benign (1); Likely benign (4). Last evaluated 2026-04-14.

Conditions:
Hereditary cancer-predisposing syndrome. Also called: Tumor predisposition; Hereditary Cancer Syndrome; Hereditary neoplastic syndrome; Neoplastic Syndromes, Hereditary. Identifiers: Orphanet 140162, MedGen C0027672, MeSH D009386, MONDO:0015356.
DICER1-related tumor predisposition. Also called: DICER1-related pleuropulmonary blastoma cancer predisposition syndrome; DICER1 syndrome. Identifiers: Orphanet 284343, MedGen C3839822, MONDO:0100216.

Allele frequency attached by ClinVar (database versions not stated): TOPMed 0.00001.
gnomAD v4.1: 1 of 1,613,882 alleles (0.000062%); highest among the groups gnomAD compares: Non-Finnish European, 0.000085%; no homozygotes.

Submissions (5):

Myriad Genetics, Inc.
Classification: Benign for DICER1-related tumor predisposition. Last evaluated: 2026-04-14. Review status: criteria provided, single submitter. Criteria: Myriad Autosomal Dominant, Autosomal Recessive and X-Linked Classification Criteria (2023). Collection method: clinical testing. Allele origin: unknown.
Comment: This variant is considered benign. This variant is a silent/synonymous amino acid change and it is not expected to impact splicing.

Labcorp Genetics (formerly Invitae), Labcorp
Classification: Likely benign for DICER1-related tumor predisposition. Last evaluated: 2025-12-09. Review status: criteria provided, single submitter. Criteria: Invitae Variant Classification Sherloc (09022015). Collection method: clinical testing. Allele origin: germline.

Center for Genomic Medicine, Rigshospitalet, Copenhagen University Hospital
Classification: Likely benign. Last evaluated: 2025-03-04. Review status: criteria provided, single submitter. Criteria: ACMG Guidelines, 2015. Collection method: clinical testing. Allele origin: germline.

Blueprint Genetics
Classification: Likely benign. Last evaluated: 2022-12-13. Review status: criteria provided, single submitter. Criteria: ACMG Guidelines, 2015. Collection method: clinical testing. Allele origin: germline.

Ambry Genetics
Classification: Likely benign for Hereditary cancer-predisposing syndrome. Last evaluated: 2019-04-26. Review status: criteria provided, single submitter. Criteria: Ambry Variant Classification Scheme 2023. Collection method: clinical testing. Allele origin: germline.